The following is an entry in ClinVar:

NM_152419.3(HGSNAT):c.710C>A (p.Pro237Gln)

Gene: HGSNAT (heparan-alpha-glucosaminide N-acetyltransferase; plus strand). Cytogenetic location: 8p11.21.
Variant type: single nucleotide variant.
Coding change: c.710C>A on transcript NM_152419.3 (MANE Select); coding-DNA position 710, C replaced by A.
Protein change: p.Pro237Gln; replaces proline 237 with glutamine.
Molecular consequence: missense variant. On other transcripts: 5 prime UTR variant (1).
Genome position (GRCh38, 1-based): chr8:43,170,661, C>A. VCF-style: chr8-43170661-C-A. GRCh37 (hg19) VCF-style: chr8-43025804-C-A.
Other names: c.710C>A, p.Pro237Gln (NM_001363227.2, NM_001363228.2); c.-124C>A (NM_001363229.2); short protein forms P237Q.
Identifiers: ClinVar variation 167177 (VCV000167177.48), dbSNP rs727503962, ClinGen allele CA180114.

ClinVar aggregate classification (germline): Conflicting classifications of pathogenicity. Review status: criteria provided, conflicting classifications (1 of 4 stars). 7 submissions from 7 submitters: Uncertain significance (2); Benign (2); Likely benign (2). 1 of the submissions does not count toward it. Last evaluated 2025-12-17.

Conditions:
Mucopolysaccharidosis, MPS-III-C (MPS3C). Also called: Mucopolysaccharidosis type IIIC (Sanfilippo C); MPS III C; MUCOPOLYSACCHARIDOSIS, TYPE IIIC; mucopolysaccharidosis type 3C; MPS IIIC (Sanfilippo Syndrome Type C); SANFILIPPO SYNDROME C. Identifiers: Orphanet 581, Orphanet 79271, MedGen C0086649, MONDO:0009657, OMIM 252930.
Retinitis pigmentosa 73 (RP73). Identifiers: Orphanet 791, MedGen C4225287, MONDO:0014687, OMIM 616544.

Allele frequency attached by ClinVar (database versions not stated): TOPMed 0.00006.
gnomAD v4.1: 50 of 1,607,412 alleles (0.0031%); highest among the groups gnomAD compares: Middle Eastern, 0.033%; no homozygotes.

Submissions (7):

Labcorp Genetics (formerly Invitae), Labcorp
Classification: Uncertain significance for Retinitis pigmentosa 73; Mucopolysaccharidosis, MPS-III-C. Last evaluated: 2025-12-17. Review status: criteria provided, single submitter. Criteria: Invitae Variant Classification Sherloc (09022015). Collection method: clinical testing. Allele origin: germline.
Comment: This sequence change replaces proline, which is neutral and non-polar, with glutamine, which is neutral and polar, at codon 237 of the HGSNAT protein (p.Pro237Gln). This variant is present in population databases (rs727503962, gnomAD 0.01%). This missense change has been observed in individual(s) with Sanfillipo syndrome (PMID: 17033958, 18024218, 33673364; internal data). ClinVar contains an entry for this variant (Variation ID: 167177). Invitae Evidence Modeling of protein sequence and biophysical properties (such as structural, functional, and spatial information, amino acid conservation, physicochemical variation, residue mobility, and thermodynamic stability) indicates that this missense variant is not expected to disrupt HGSNAT protein function with a negative predictive value of 95%. Experimental studies have shown that this missense change does not substantially affect HGSNAT function (PMID: 19823584, 20583299, 20825431). In summary, the available evidence is currently insufficient to determine the role of this variant in disease. Therefore, it has been classified as a Variant of Uncertain Significance.

Blueprint Genetics
Classification: Likely benign. Last evaluated: 2024-10-30. Review status: criteria provided, single submitter. Criteria: ACMG Guidelines, 2015. Collection method: clinical testing. Allele origin: germline.

CeGaT Center for Human Genetics Tuebingen
Classification: Likely benign. Last evaluated: 2021-12-01. Review status: criteria provided, single submitter. Criteria: CeGaT Center For Human Genetics Tuebingen Variant Classification Criteria Version 2. Collection method: clinical testing. Allele origin: germline. Affected: yes. Observed: 1 variant allele.

AiLife Diagnostics
Classification: Uncertain significance. Last evaluated: 2021-05-22. Review status: criteria provided, single submitter. Criteria: ACMG Guidelines, 2015. Collection method: clinical testing. Allele origin: germline. Affected: yes. Observed: 1 variant allele.

Mendelics
Classification: Benign for Mucopolysaccharidosis, MPS-III-C. Last evaluated: 2019-05-28. Review status: criteria provided, single submitter. Criteria: Mendelics Assertion Criteria 2017. Collection method: clinical testing. Allele origin: unknown.

Eurofins Ntd Llc (ga)
Classification: Benign. Last evaluated: 2014-03-31. Review status: criteria provided, single submitter. Criteria: EGL Classification Definitions 2015. Collection method: clinical testing. Allele origin: germline. Observed: 1 variant allele, 1 homozygote.

Counsyl
Classification: Uncertain significance for Mucopolysaccharidosis, MPS-III-C. Last evaluated: 2017-11-20. Review status: no assertion criteria provided. Collection method: clinical testing. Allele origin: unknown. Not counted in ClinVar's aggregate classification.

Literature cited by the submitters: PubMed 17033958 (cited by 4 submitters); PubMed 18024218 (cited by Labcorp Genetics (formerly Invitae), Labcorp); PubMed 33673364 (cited by Labcorp Genetics (formerly Invitae), Labcorp); PubMed 19823584 (cited by 3 submitters); PubMed 20583299 (cited by 3 submitters); PubMed 20825431 (cited by 4 submitters); PubMed 19479962 (cited by AiLife Diagnostics); PubMed 26350204 (cited by AiLife Diagnostics).